The following is an entry in ClinVar:

ClinVar aggregate classification (germline): Benign/Likely benign. Review status: criteria provided, multiple submitters, no conflicts (2 of 4 stars). 3 submissions from 3 submitters: Benign (1); Likely benign (1). 1 of the submissions does not count toward it. Last evaluated 2026-01-21.

Conditions:
MSN-related disorder. Also called: MSN-related condition.

Allele frequency attached by ClinVar (database versions not stated): gnomAD 0.00051 and 0.00075; gnomAD exomes 0.00052 and 0.00178; TOPMed 0.00076; ExAC 0.00163; 1000 Genomes Project 30x 0.00562; 1000 Genomes Project 0.00583.
gnomAD v4.1: 664 of 1,208,341 alleles (0.055%); highest among the groups gnomAD compares: East Asian, 1.8%; 2 homozygotes.

Submissions (3):

Labcorp Genetics (formerly Invitae), Labcorp
Classification: Benign. Last evaluated: 2026-01-21. Review status: criteria provided, single submitter. Criteria: Invitae Variant Classification Sherloc (09022015). Collection method: clinical testing. Allele origin: germline.

Blueprint Genetics
Classification: Likely benign. Last evaluated: 2024-11-21. Review status: criteria provided, single submitter. Criteria: ACMG Guidelines, 2015. Collection method: clinical testing. Allele origin: germline.

PreventionGenetics, part of Exact Sciences
Classification: Benign for MSN-related condition. Last evaluated: 2020-02-18. Review status: no assertion criteria provided. Collection method: clinical testing. Allele origin: germline. Not counted in ClinVar's aggregate classification.
Comment: This variant is classified as benign based on ACMG/AMP sequence variant interpretation guidelines (Richards et al. 2015 PMID: 25741868, with internal and published modifications).

NM_002444.3(MSN):c.1345-8C>T

Gene: MSN (moesin; plus strand). Cytogenetic location: Xq12.
Variant type: single nucleotide variant.
Coding change: c.1345-8C>T on transcript NM_002444.3 (MANE Select); 8 bases into the intron before coding-DNA position 1345, C replaced by T.
Molecular consequence: intron variant.
Genome position (GRCh38, 1-based): chrX:65,738,962, C>T. VCF-style: chrX-65738962-C-T. GRCh37 (hg19) VCF-style: chrX-64958824-C-T.
Other names: c.1345-8C>T (NM_002444.2).
Identifiers: ClinVar variation 1167371 (VCV001167371.12), dbSNP rs187378833, ClinGen allele CA10434667.
Genomic context (GRCh38, chrX:65,738,962, plus strand): 5'-GCATATACAGGATGCCACAGTTTAACTGGTCTCACTGACAGTCTTTCTCTCCTTCTGTCA[C>T]TGGACAGGCCCAGATGGTACAGGAAGACTTGGAGAAGACCCGTGCTGAGCTGAAGACTGC-3'